The following is an entry in ClinVar:

ClinVar aggregate classification (germline): Likely benign. Review status: criteria provided, multiple submitters, no conflicts (2 of 4 stars). 2 submissions from 2 submitters: Likely benign (2). Last evaluated 2025-10-03.

Conditions:
Hereditary nonpolyposis colorectal neoplasms. Identifiers: MedGen C0009405, MeSH D003123.
Lynch syndrome 4 (LYNCH4). Also called: Hereditary non-polyposis colorectal cancer, type 4; Colorectal cancer, hereditary nonpolyposis, type 4. Identifiers: Orphanet 144, MedGen C1838333, MONDO:0013699, OMIM 614337. Disease mechanism: loss of function.

Submissions (2):

Labcorp Genetics (formerly Invitae), Labcorp
Classification: Likely benign for Hereditary nonpolyposis colorectal neoplasms. Last evaluated: 2025-10-03. Review status: criteria provided, single submitter. Criteria: Invitae Variant Classification Sherloc (09022015). Collection method: clinical testing. Allele origin: germline.

Myriad Genetics, Inc.
Classification: Likely benign for Lynch syndrome 4. Last evaluated: 2025-01-28. Review status: criteria provided, single submitter. Criteria: Myriad Autosomal Dominant, Autosomal Recessive and X-Linked Classification Criteria (2023). Collection method: clinical testing. Allele origin: unknown.
Comment: This variant is considered likely benign. This variant is intronic and is not expected to impact mRNA splicing.

NM_000535.7(PMS2):c.705+9G>A

Gene: PMS2 (PMS1 homolog 2, mismatch repair system component; minus strand). Cytogenetic location: 7p22.1.
Variant type: single nucleotide variant.
Coding change: c.705+9G>A on transcript NM_000535.7 (MANE Select); 9 bases into the intron after coding-DNA position 705, G replaced by A.
Molecular consequence: intron variant.
Genome position (GRCh38, 1-based): chr7:5,999,099, C>T on the plus strand (G>A on the coding strand, the complement: PMS2 is on the minus strand). VCF-style: chr7-5999099-C-T. GRCh37 (hg19) VCF-style: chr7-6038730-C-T.
Other names: c.387+9G>A (NM_001322008.2, NM_001406902.1, NM_001406883.1 and 4 more transcripts); c.396+9G>A (NM_001406881.1, NM_001406879.1, NM_001322015.2 and 6 more transcripts); c.300+9G>A (NM_001406895.1, NM_001322010.2, NM_001322004.2 and 19 more transcripts); c.132+3354G>A (NM_001406911.1); c.192+117G>A (NM_001406904.1, NM_001406905.1); c.133-1676G>A (NM_001322013.2, NM_001406909.1); c.-229+9G>A (NM_001322012.2, NM_001322011.2); c.369+9G>A (NM_001406885.1); and 6 more.
Identifiers: ClinVar variation 2785235 (VCV002785235.4), dbSNP rs2128798846, ClinGen allele CA2739265428.